The following is an entry in ClinVar:

NM_021976.5(RXRB):c.1419C>G (p.Thr473=)

Gene: RXRB (retinoid X receptor beta; minus strand). Cytogenetic location: 6p21.32.
Variant type: single nucleotide variant.
Coding change: c.1419C>G on transcript NM_021976.5 (MANE Select); coding-DNA position 1419, C replaced by G.
Protein change: p.Thr473=; no amino-acid change (threonine 473 retained).
Molecular consequence: synonymous variant.
Genome position (GRCh38, 1-based): chr6:33,194,980, G>C on the plus strand (C>G on the coding strand, the complement: RXRB is on the minus strand). VCF-style: chr6-33194980-G-C. GRCh37 (hg19) VCF-style: chr6-33162757-G-C.
Other names: c.1431C>G, p.Thr477= (NM_001270401.2); c.861C>G, p.Thr287= (NM_001291989.2).
Identifiers: ClinVar variation 3041645 (VCV003041645.2), dbSNP rs775312696, ClinGen allele CA3751826.

ClinVar aggregate classification (germline): Likely benign (0 of 4 stars; one submission).

Conditions:
RXRB-related disorder. Also called: RXRB-related condition.

Allele frequency attached by ClinVar (database versions not stated): gnomAD 0.00003; TOPMed 0.00003; ExAC 0.00006; gnomAD exomes 0.00015.
gnomAD v4.1: 216 of 1,612,796 alleles (0.013%); highest among the groups gnomAD compares: Non-Finnish European, 0.018%; no homozygotes.

Submission:

PreventionGenetics, part of Exact Sciences
Classification: Likely benign for RXRB-related condition. Last evaluated: 2019-05-08. Review status: no assertion criteria provided. Collection method: clinical testing. Allele origin: germline.
Comment: This variant is classified as likely benign based on ACMG/AMP sequence variant interpretation guidelines (Richards et al. 2015 PMID: 25741868, with internal and published modifications).